The following is an entry in ClinVar:

ClinVar aggregate classification (germline): Pathogenic (1 of 4 stars; one submission).

Conditions:
Rare genetic deafness. Identifiers: Orphanet 96210, MedGen C5680250.

Submission:

Laboratory for Molecular Medicine, Mass General Brigham Personalized Medicine
Classification: Pathogenic for Rare genetic deafness. Last evaluated: 2013-09-25. Review status: criteria provided, single submitter. Criteria: LMM Criteria. Collection method: clinical testing. Allele origin: germline. Inheritance: Autosomal recessive inheritance. Observed: 1 variant allele.
Comment: The exon 32A deletion in CDH23 has not been reported in individuals with hearing loss or in large population studies. This variant results in the deletion of on e exon of the 70 exons within the major transcript of the CDH23 gene, and is pre dicted to lead to a truncated or absent protein. In summary, this variant meets our criteria to be classified as pathogenic.

NM_022124.5(CDH23):c.(?_3716)_(4146_?)del

Genes: C10orf105 (chromosome 10 open reading frame 105; minus strand), CDH23 (cadherin related 23; plus strand). Cytogenetic location: 10q22.1.
Variant type: Deletion.
Coding change: c.(?_3716)_(4146_?)del on transcript NM_022124.5; a large deletion whose breakpoints are not mapped to the base.
Other names: c.(?_3716)_(4146_?)del (NM_022124.5).
Identifiers: ClinVar variation 179348 (VCV000179348.4).